The following is an entry in ClinVar:

ClinVar aggregate classification (germline): Conflicting classifications of pathogenicity. Review status: criteria provided, conflicting classifications (1 of 4 stars). 4 submissions from 4 submitters: Uncertain significance (3); Likely benign (1). Last evaluated 2026-03-01.

Conditions:
PQBP1-related disorder. Also called: PQBP1-related condition.
Renpenning syndrome. Also called: Mental retardation, X-linked Renpenning type; X-linked mental retardation with spastic diplegia; X-linked mental retardation syndromic 3; Sutherland-Haan syndrome; GOLABI-ITO-HALL SYNDROME; MENTAL RETARDATION, X-LINKED 55. Identifiers: Orphanet 3242, MedGen C0796135, MONDO:0010653, OMIM 309500.

Allele frequency attached by ClinVar (database versions not stated): TOPMed below 0.00001; gnomAD exomes 0.00001.

Submissions (4):

CeGaT Center for Human Genetics Tuebingen
Classification: Likely benign. Last evaluated: 2026-03-01. Review status: criteria provided, single submitter. Criteria: CeGaT Center For Human Genetics Tuebingen Variant Classification Criteria Version 2. Collection method: clinical testing. Allele origin: germline. Affected: yes. Observed: 2 variant alleles.
Comment: PQBP1: PS2:Moderate, PS4:Supporting, BS2

PreventionGenetics, part of Exact Sciences
Classification: Uncertain significance for PQBP1-related condition. Last evaluated: 2022-09-21. Review status: criteria provided, single submitter. Criteria: ACMG Guidelines, 2015. Collection method: clinical testing. Allele origin: germline.
Comment: The PQBP1 c.530G>A variant is predicted to result in the amino acid substitution p.Arg177His. This variant was reported in an individual with intellectual disability, developmental delay, ataxia, failure to thrive, structural brain abnormalities, and dysmorphic facies (Abdel-Salam et al 2018. PubMed ID: 30244542). The alteration was inherited from an unaffected mother, and no X-inactivation studies were completed. No additional familial segregation or functional studies support the pathogenicity of this missense change. Other missense variants in this gene are tolerated on the whole, and an alternate missense at the same position is documented in two heterozygous individuals of unknown phenotype in gnomAD (p.Arg177Cys). This exact variant has not been reported in the gnomAD database, indicating it is rare. At this time, the clinical significance of this variant is uncertain due to the absence of conclusive functional and genetic evidence.

Provincial Medical Genetics Program of British Columbia, University of British Columbia
Classification: Uncertain significance for Renpenning syndrome. Last evaluated: 2022-01-01. Review status: criteria provided, single submitter. Criteria: ACMG Guidelines, 2015. Collection method: clinical testing. Allele origin: maternal. Affected: yes.

Blueprint Genetics
Classification: Uncertain significance. Last evaluated: 2020-02-17. Review status: criteria provided, single submitter. Criteria: ACMG Guidelines, 2015. Collection method: clinical testing. Allele origin: germline.

NM_001032382.2(PQBP1):c.530G>A (p.Arg177His)

Gene: PQBP1 (polyglutamine binding protein 1; plus strand). Cytogenetic location: Xp11.23.
Variant type: single nucleotide variant.
Coding change: c.530G>A on transcript NM_001032382.2 (MANE Select); coding-DNA position 530, G replaced by A.
Protein change: p.Arg177His; replaces arginine 177 with histidine.
Molecular consequence: missense variant. On other transcripts: intron variant (1).
Genome position (GRCh38, 1-based): chrX:48,902,470, G>A. VCF-style: chrX-48902470-G-A. GRCh37 (hg19) VCF-style: chrX-48759747-G-A.
Other names: c.530G>A, p.Arg177His (NM_001032381.2, NM_001032383.2, NM_001032384.1 and 2 more transcripts); c.506G>A, p.Arg169His (NM_001167990.2); c.230G>A, p.Arg77His (NM_001167992.1); c.293-262G>A (NM_144495.3); short protein forms R169H, R177H, R77H.
Identifiers: ClinVar variation 1527945 (VCV001527945.9), dbSNP rs1047322213, ClinGen allele CA329097197.